The following is an entry in ClinVar:

ClinVar aggregate classification (germline): Uncertain significance (1 of 4 stars; one submission).

Conditions:
Joubert syndrome. Also called: Familial aplasia of the vermis; JOUBERT-BOLTSHAUSER SYNDROME; CEREBELLOPARENCHYMAL DISORDER IV. Identifiers: Orphanet 475, MedGen C5979921, MONDO:0018772.
Orofaciodigital syndrome I (OFD1). Also called: Papillon-Leage and Psaume Syndrome; OFDS I; Oral-Facial-Digital Syndrome Type I. Identifiers: Orphanet 2750, MedGen C1510460, MONDO:0010702, OMIM 311200.

Submission:

Labcorp Genetics (formerly Invitae), Labcorp
Classification: Uncertain significance for Orofaciodigital syndrome I; Joubert syndrome. Last evaluated: 2025-03-10. Review status: criteria provided, single submitter. Criteria: Invitae Variant Classification Sherloc (09022015). Collection method: clinical testing. Allele origin: germline.
Comment: This sequence change replaces serine, which is neutral and polar, with asparagine, which is neutral and polar, at codon 720 of the OFD1 protein (p.Ser720Asn). This variant is not present in population databases (gnomAD no frequency). This variant has not been reported in the literature in individuals affected with OFD1-related conditions. Invitae Evidence Modeling of protein sequence and biophysical properties (such as structural, functional, and spatial information, amino acid conservation, physicochemical variation, residue mobility, and thermodynamic stability) indicates that this missense variant is not expected to disrupt OFD1 protein function with a negative predictive value of 80%. In summary, the available evidence is currently insufficient to determine the role of this variant in disease. Therefore, it has been classified as a Variant of Uncertain Significance.

NM_003611.3(OFD1):c.2159G>A (p.Ser720Asn)

Gene: OFD1 (OFD1 centriole and centriolar satellite protein; plus strand). Cytogenetic location: Xp22.2.
Variant type: single nucleotide variant.
Coding change: c.2159G>A on transcript NM_003611.3 (MANE Select); coding-DNA position 2159, G replaced by A.
Protein change: p.Ser720Asn; replaces serine 720 with asparagine.
Molecular consequence: missense variant.
Genome position (GRCh38, 1-based): chrX:13,760,619, G>A. VCF-style: chrX-13760619-G-A. GRCh37 (hg19) VCF-style: chrX-13778738-G-A.
Other names: c.2039G>A, p.Ser680Asn (NM_001440948.1, NM_001330209.2); c.1739G>A, p.Ser580Asn (NM_001330210.2); c.2159G>A, p.Ser720Asn (NM_001440947.1); short protein forms S680N, S580N, S720N.
Identifiers: ClinVar variation 4782971 (VCV004782971.1).